The following is an entry in ClinVar:

ClinVar aggregate classification (germline): Uncertain significance (1 of 4 stars; one submission).

Conditions:
Microcephaly and chorioretinopathy 2. Also called: Microcephaly and chorioretinopathy, autosomal recessive, 2. Identifiers: Orphanet 808, MedGen C4015388, MONDO:0014516, OMIM 616171.

Allele frequency attached by ClinVar (database versions not stated): gnomAD exomes below 0.00001.
gnomAD v4.1: 3 of 1,605,176 alleles (0.00019%); highest among the groups gnomAD compares: Non-Finnish European, 0.00026%; no homozygotes.

Submission:

Baylor Genetics
Classification: Uncertain significance for Microcephaly and chorioretinopathy 2. Last evaluated: 2018-04-05. Review status: criteria provided, single submitter. Criteria: ACMG Guidelines, 2015. Collection method: clinical testing. Allele origin: paternal. Affected: yes.
Comment: This variant was determined to be of uncertain significance according to ACMG Guidelines, 2015 [PMID:25741868].

NM_014264.5(PLK4):c.176A>G (p.Asn59Ser)

Gene: PLK4 (polo like kinase 4; plus strand). Cytogenetic location: 4q28.1.
Variant type: single nucleotide variant.
Coding change: c.176A>G on transcript NM_014264.5 (MANE Select); coding-DNA position 176, A replaced by G.
Protein change: p.Asn59Ser; replaces asparagine 59 with serine.
Molecular consequence: missense variant. On other transcripts: intron variant (1).
Genome position (GRCh38, 1-based): chr4:127,883,311, A>G. VCF-style: chr4-127883311-A-G. GRCh37 (hg19) VCF-style: chr4-128804466-A-G.
Other names: c.53A>G, p.Asn18Ser (NM_001190801.2); c.127-128A>G (NM_001190799.2); short protein forms N59S, N18S.
Identifiers: ClinVar variation 1032615 (VCV001032615.1), dbSNP rs1734999708, ClinGen allele CA358167363.